The following is an entry in ClinVar:

NM_001032283.3(TMPO):c.565+1020A>G

Gene: TMPO (thymopoietin; plus strand). Cytogenetic location: 12q23.1.
Variant type: single nucleotide variant.
Coding change: c.565+1020A>G on transcript NM_001032283.3 (MANE Select); 1020 bases into the intron after coding-DNA position 565, A replaced by G.
Molecular consequence: intron variant. On other transcripts: missense variant (1).
Genome position (GRCh38, 1-based): chr12:98,532,858, A>G. VCF-style: chr12-98532858-A-G. GRCh37 (hg19) VCF-style: chr12-98926636-A-G.
Other names: c.601A>G, p.Arg201Gly (NM_003276.2); c.565+1020A>G (NM_001307975.2, NM_001032284.3); short protein forms R201G.
Identifiers: ClinVar variation 3327284 (VCV003327284.1).

ClinVar aggregate classification (germline): Uncertain significance (1 of 4 stars; one submission).

Submission:

Ambry Genetics
Classification: Uncertain significance. Last evaluated: 2024-05-25. Review status: criteria provided, single submitter. Criteria: Ambry Variant Classification Scheme 2023. Collection method: clinical testing. Allele origin: germline.
Comment: The p.R201G variant (also known as c.601A>G), located in coding exon 4 of the TMPO gene, results from an A to G substitution at nucleotide position 601. The arginine at codon 201 is replaced by glycine, an amino acid with dissimilar properties. This amino acid position is conserved. In addition, this alteration is predicted to be tolerated by in silico analysis. Based on the available evidence, the clinical significance of this variant remains unclear.